The following is an entry in ClinVar:

NM_000541.5(SAG):c.1210G>A (p.Asp404Asn)

Gene: SAG (S-antigen visual arrestin; plus strand). Cytogenetic location: 2q37.1.
Variant type: single nucleotide variant.
Coding change: c.1210G>A on transcript NM_000541.5 (MANE Select); coding-DNA position 1210, G replaced by A.
Protein change: p.Asp404Asn; replaces aspartic acid 404 with asparagine.
Molecular consequence: missense variant.
Genome position (GRCh38, 1-based): chr2:233,346,904, G>A. VCF-style: chr2-233346904-G-A. GRCh37 (hg19) VCF-style: chr2-234255550-G-A.
Other names: short protein forms D404N.
Identifiers: ClinVar variation 3686796 (VCV003686796.2).

ClinVar aggregate classification (germline): Uncertain significance (1 of 4 stars; one submission).

gnomAD v4.1: 1 of 1,583,346 alleles (0.000063%); highest among the groups gnomAD compares: South Asian, 0.0011%; no homozygotes.

Submission:

Labcorp Genetics (formerly Invitae), Labcorp
Classification: Uncertain significance. Last evaluated: 2025-01-11. Review status: criteria provided, single submitter. Criteria: Invitae Variant Classification Sherloc (09022015). Collection method: clinical testing. Allele origin: germline.
Comment: This sequence change replaces aspartic acid, which is acidic and polar, with asparagine, which is neutral and polar, at codon 404 of the SAG protein (p.Asp404Asn). This variant is not present in population databases (gnomAD no frequency). This variant has not been reported in the literature in individuals affected with SAG-related conditions. An algorithm developed to predict the effect of missense changes on protein structure and function (PolyPhen-2) suggests that this variant is likely to be disruptive. In summary, the available evidence is currently insufficient to determine the role of this variant in disease. Therefore, it has been classified as a Variant of Uncertain Significance.